The following is an entry in ClinVar:

NM_000535.7(PMS2):c.2535T>G (p.His845Gln)

Gene: PMS2 (PMS1 homolog 2, mismatch repair system component; minus strand). Cytogenetic location: 7p22.1.
Variant type: single nucleotide variant.
Coding change: c.2535T>G on transcript NM_000535.7 (MANE Select); coding-DNA position 2535, T replaced by G.
Protein change: p.His845Gln; replaces histidine 845 with glutamine.
Molecular consequence: missense variant. On other transcripts: non-coding transcript variant (1).
Genome position (GRCh38, 1-based): chr7:5,973,453, A>C on the plus strand (T>G on the coding strand, the complement: PMS2 is on the minus strand). VCF-style: chr7-5973453-A-C. GRCh37 (hg19) VCF-style: chr7-6013084-A-C.
Other names: c.2130T>G, p.His710Gln (NM_001018040.1, NM_001322003.2, NM_001322004.2 and 12 more transcripts); c.2379T>G, p.His793Gln (NM_001322006.2); c.2217T>G, p.His739Gln (NM_001322007.2, NM_001322008.2, NM_001406883.1); c.2163T>G, p.His721Gln (NM_001322009.2, NM_001406887.1, NM_001406888.1); c.1974T>G, p.His658Gln (NM_001322010.2, NM_001406906.1, NM_001406907.1); c.1602T>G, p.His534Gln (NM_001322011.2, NM_001322012.2); c.1962T>G, p.His654Gln (NM_001322013.2, NM_001406908.1, NM_001406909.1); c.2568T>G, p.His856Gln (NM_001322014.2); and 20 more; short protein forms H534Q, H674Q, H683Q, H779Q, H845Q, H907Q, H606Q, H654Q.
Identifiers: ClinVar variation 1792761 (VCV001792761.3), dbSNP rs876660464, ClinGen allele CA366734845.

ClinVar aggregate classification (germline): Conflicting classifications of pathogenicity. Review status: criteria provided, conflicting classifications (1 of 4 stars). 2 submissions from 2 submitters: Likely pathogenic (1); Uncertain significance (1). Last evaluated 2023-09-25.

Conditions:
Hereditary cancer-predisposing syndrome. Also called: Tumor predisposition; Hereditary Cancer Syndrome; Neoplastic Syndromes, Hereditary; Hereditary neoplastic syndrome. Identifiers: Orphanet 140162, MedGen C0027672, MeSH D009386, MONDO:0015356.
Lynch syndrome 4 (LYNCH4). Also called: Colorectal cancer, hereditary nonpolyposis, type 4; Hereditary non-polyposis colorectal cancer, type 4. Identifiers: Orphanet 144, MedGen C1838333, MONDO:0013699, OMIM 614337. Disease mechanism: loss of function.

Submissions (2):

Myriad Genetics, Inc.
Classification: Likely pathogenic for Lynch syndrome 4. Last evaluated: 2023-09-25. Review status: criteria provided, single submitter. Criteria: Myriad Autosomal Dominant, Autosomal Recessive and X-Linked Classification Criteria (2023). Collection method: clinical testing. Allele origin: unknown.
Comment: This variant is considered likely pathogenic. Functional studies indicate this variant impacts protein function [PMID: 18619468, 35451539]. This variant is expected to disrupt protein structure [Myriad internal data].

Ambry Genetics
Classification: Uncertain significance for Hereditary cancer-predisposing syndrome. Last evaluated: 2019-08-09. Review status: criteria provided, single submitter. Criteria: Ambry Variant Classification Scheme 2023. Collection method: clinical testing. Allele origin: germline.
Comment: The p.H845Q variant (also known as c.2535T>G), located in coding exon 15 of the PMS2 gene, results from a T to G substitution at nucleotide position 2535. The histidine at codon 845 is replaced by glutamine, an amino acid with highly similar properties. This amino acid position is highly conserved in available vertebrate species. In addition, this alteration is predicted to be deleterious by in silico analysis. Since supporting evidence is limited at this time, the clinical significance of this alteration remains unclear.

Literature cited by the submitters: PubMed 18619468 (cited by Myriad Genetics, Inc.); PubMed 35451539 (cited by Myriad Genetics, Inc.).